The following is an entry in ClinVar:

ClinVar aggregate classification (germline): Likely benign. Review status: criteria provided, multiple submitters, no conflicts (2 of 4 stars). 2 submissions from 2 submitters: Likely benign (2). Last evaluated 2025-04-03.

Conditions:
Fanconi anemia complementation group J. Also called: BRIP1-Related Fanconi Anemia. Identifiers: Orphanet 84, MedGen C1836860, MONDO:0012187, OMIM 609054.
Familial cancer of breast. Also called: hereditary breast carcinoma; BREAST CANCER, FAMILIAL; Hereditary breast cancer. Identifiers: Orphanet 227535, MedGen C0346153, MONDO:0016419, OMIM 114480. Disease mechanism: loss of function.

Submissions (2):

Labcorp Genetics (formerly Invitae), Labcorp
Classification: Likely benign for Familial cancer of breast; Fanconi anemia complementation group J. Last evaluated: 2025-04-03. Review status: criteria provided, single submitter. Criteria: Invitae Variant Classification Sherloc (09022015). Collection method: clinical testing. Allele origin: germline.

Myriad Genetics, Inc.
Classification: Likely benign for Familial cancer of breast. Last evaluated: 2024-08-23. Review status: criteria provided, single submitter. Criteria: Myriad Autosomal Dominant, Autosomal Recessive and X-Linked Classification Criteria (2023). Collection method: clinical testing. Allele origin: unknown.
Comment: This variant is considered likely benign. This variant is intronic and is not expected to impact mRNA splicing.

NM_032043.3(BRIP1):c.1141-19A>T

Gene: BRIP1 (BRCA1 interacting DNA helicase 1; minus strand). Cytogenetic location: 17q23.2.
Variant type: single nucleotide variant.
Coding change: c.1141-19A>T on transcript NM_032043.3 (MANE Select); 19 bases into the intron before coding-DNA position 1141, A replaced by T.
Molecular consequence: intron variant.
Genome position (GRCh38, 1-based): chr17:61,799,318, T>A on the plus strand (A>T on the coding strand, the complement: BRIP1 is on the minus strand). VCF-style: chr17-61799318-T-A. GRCh37 (hg19) VCF-style: chr17-59876679-T-A.
Identifiers: ClinVar variation 3378616 (VCV003378616.2).